The following is an entry in ClinVar:

ClinVar aggregate classification (germline): Uncertain significance. Review status: criteria provided, multiple submitters, no conflicts (2 of 4 stars). 2 submissions from 2 submitters: Uncertain significance (2). Last evaluated 2022-10-05.

Allele frequency attached by ClinVar (database versions not stated): gnomAD 0.00001; gnomAD exomes 0.00001; TOPMed 0.00001.
gnomAD v4.1: 5 of 1,612,704 alleles (0.00031%); highest among the groups gnomAD compares: Non-Finnish European, 0.00042%; no homozygotes.

Submissions (2):

Labcorp Genetics (formerly Invitae), Labcorp
Classification: Uncertain significance. Last evaluated: 2022-10-05. Review status: criteria provided, single submitter. Criteria: Invitae Variant Classification Sherloc (09022015). Collection method: clinical testing. Allele origin: germline.
Comment: This sequence change replaces glycine, which is neutral and non-polar, with cysteine, which is neutral and slightly polar, at codon 2891 of the ADGRV1 protein (p.Gly2891Cys). This variant is present in population databases (no rsID available, gnomAD 0.007%). This variant has not been reported in the literature in individuals affected with ADGRV1-related conditions. ClinVar contains an entry for this variant (Variation ID: 288162). Advanced modeling of protein sequence and biophysical properties (such as structural, functional, and spatial information, amino acid conservation, physicochemical variation, residue mobility, and thermodynamic stability) performed at Invitae indicates that this missense variant is not expected to disrupt ADGRV1 protein function. Algorithms developed to predict the effect of sequence changes on RNA splicing suggest that this variant may create or strengthen a splice site. In summary, the available evidence is currently insufficient to determine the role of this variant in disease. Therefore, it has been classified as a Variant of Uncertain Significance.

Eurofins Ntd Llc (ga)
Classification: Uncertain significance. Last evaluated: 2016-06-09. Review status: criteria provided, single submitter. Criteria: EGL Classification Definitions 2015. Collection method: clinical testing. Allele origin: germline. Observed: 1 variant allele, 1 heterozygote.

NM_032119.4(ADGRV1):c.8671G>T (p.Gly2891Cys)

Gene: ADGRV1 (adhesion G protein-coupled receptor V1; plus strand). Cytogenetic location: 5q14.3.
Variant type: single nucleotide variant.
Coding change: c.8671G>T on transcript NM_032119.4 (MANE Select); coding-DNA position 8671, G replaced by T.
Protein change: p.Gly2891Cys; replaces glycine 2891 with cysteine.
Molecular consequence: missense variant. On other transcripts: non-coding transcript variant (1).
Genome position (GRCh38, 1-based): chr5:90,706,335, G>T. VCF-style: chr5-90706335-G-T. GRCh37 (hg19) VCF-style: chr5-90002152-G-T.
Other names: short protein forms G2891C.
Identifiers: ClinVar variation 288162 (VCV000288162.9), dbSNP rs886043816, ClinGen allele CA10605986.